The following is an entry in ClinVar:

ClinVar aggregate classification (germline): Uncertain significance (1 of 4 stars; one submission).

Conditions:
Ellis-van Creveld syndrome (EVC). Also called: EVC-Related Ellis-van Creveld Syndrome; EVC2-Related Ellis-van Creveld Syndrome; Chondroectodermal dysplasia; MESOECTODERMAL DYSPLASIA. Identifiers: Orphanet 289, MedGen C0013903, MONDO:0009162, OMIM 225500.
Curry-Hall syndrome (WAD). Also called: WEYERS ACRODENTAL DYSOSTOSIS. Identifiers: Orphanet 952, MedGen C0457013, MONDO:0008673, OMIM 193530.

Allele frequency attached by ClinVar (database versions not stated): gnomAD 0.00001; gnomAD exomes 0.00001; TOPMed 0.00001.

Submission:

Labcorp Genetics (formerly Invitae), Labcorp
Classification: Uncertain significance for Curry-Hall syndrome; Ellis-van Creveld syndrome. Last evaluated: 2024-10-22. Review status: criteria provided, single submitter. Criteria: Invitae Variant Classification Sherloc (09022015). Collection method: clinical testing. Allele origin: germline.
Comment: This sequence change replaces alanine, which is neutral and non-polar, with valine, which is neutral and non-polar, at codon 250 of the EVC2 protein (p.Ala250Val). This variant is not present in population databases (gnomAD no frequency). This variant has not been reported in the literature in individuals affected with EVC2-related conditions. ClinVar contains an entry for this variant (Variation ID: 2163345). An algorithm developed to predict the effect of missense changes on protein structure and function outputs the following: PolyPhen-2: "Benign". The valine amino acid residue is found in multiple mammalian species, which suggests that this missense change does not adversely affect protein function. In summary, the available evidence is currently insufficient to determine the role of this variant in disease. Therefore, it has been classified as a Variant of Uncertain Significance.

NM_147127.5(EVC2):c.749C>T (p.Ala250Val)

Gene: EVC2 (EvC ciliary complex subunit 2; minus strand). Cytogenetic location: 4p16.2.
Variant type: single nucleotide variant.
Coding change: c.749C>T on transcript NM_147127.5 (MANE Select); coding-DNA position 749, C replaced by T.
Protein change: p.Ala250Val; replaces alanine 250 with valine.
Molecular consequence: missense variant.
Genome position (GRCh38, 1-based): chr4:5,685,437, G>A on the plus strand (C>T on the coding strand, the complement: EVC2 is on the minus strand). VCF-style: chr4-5685437-G-A. GRCh37 (hg19) VCF-style: chr4-5687164-G-A.
Other names: c.509C>T, p.Ala170Val (NM_001166136.2); short protein forms A170V, A250V.
Identifiers: ClinVar variation 2163345 (VCV002163345.3), dbSNP rs1190178654, ClinGen allele CA356146889.